The following is an entry in ClinVar:

ClinVar aggregate classification (germline): Uncertain significance. Review status: criteria provided, multiple submitters, no conflicts (2 of 4 stars). 2 submissions from 2 submitters: Uncertain significance (2). Last evaluated 2025-11-10.

Conditions:
Inborn genetic diseases. Identifiers: MedGen C0950123, MeSH D030342.

Allele frequency attached by ClinVar (database versions not stated): gnomAD 0.00001; TOPMed 0.00001; ExAC 0.00002; gnomAD exomes 0.00005.

Submissions (2):

Women's Health and Genetics/Laboratory Corporation of America, LabCorp
Classification: Uncertain significance. Last evaluated: 2025-11-10. Review status: criteria provided, single submitter. Criteria: LabCorp Variant Classification Summary - May 2015. Collection method: clinical testing. Allele origin: germline.
Comment: Variant summary: CEBPE c.613C>T (p.Leu205Phe) results in a non-conservative amino acid change located in the Basic-leucine zipper domain (IPR004827) of the encoded protein sequence. Algorithms developed to predict the effect of missense changes on protein structure and function are either unavailable or do not agree on the potential impact of this missense change. The variant allele was found at a frequency of 1.6e-05 in 251358 control chromosomes. The available data on variant occurrences in the general population are insufficient to allow any conclusion about variant significance. To our knowledge, no occurrence of c.613C>T in individuals affected with CEBPE-related conditions and no experimental evidence demonstrating its impact on protein function have been reported. ClinVar contains an entry for this variant (Variation ID: 2383889). Based on the evidence outlined above, the variant was classified as uncertain significance.

Ambry Genetics
Classification: Uncertain significance for Inborn genetic diseases. Last evaluated: 2025-02-19. Review status: criteria provided, single submitter. Criteria: Ambry Variant Classification Scheme 2023. Collection method: clinical testing. Allele origin: germline.

NM_001805.4(CEBPE):c.613C>T (p.Leu205Phe)

Gene: CEBPE (CCAAT enhancer binding protein epsilon; minus strand). Cytogenetic location: 14q11.2.
Variant type: single nucleotide variant.
Coding change: c.613C>T on transcript NM_001805.4 (MANE Select); coding-DNA position 613, C replaced by T.
Protein change: p.Leu205Phe; replaces leucine 205 with phenylalanine.
Molecular consequence: missense variant.
Genome position (GRCh38, 1-based): chr14:23,117,720, G>A on the plus strand (C>T on the coding strand, the complement: CEBPE is on the minus strand). VCF-style: chr14-23117720-G-A. GRCh37 (hg19) VCF-style: chr14-23586929-G-A.
Other names: short protein forms L205F.
Identifiers: ClinVar variation 2383889 (VCV002383889.4), dbSNP rs766005797, ClinGen allele CA7111136.